The following is an entry in ClinVar:

GRCh38/hg38 20q13.33(chr20:62632017-63794804)x1

Genes: ARFGAP1 (ARF GTPase activating protein 1; plus strand), ARFRP1 (ARF related protein 1; minus strand), BHLHE23 (basic helix-loop-helix family member e23; minus strand), BIRC7 (baculoviral IAP repeat containing 7; plus strand), CHRNA4 (cholinergic receptor nicotinic alpha 4 subunit; minus strand) and 163 more. Cytogenetic location: 20q13.33.
Variant type: copy number loss.
Change: copy number 1 (one copy instead of two) of chr20:62,632,017-63,794,804 (1.16 Mb, GRCh38 coordinates, 1-based), cytogenetic band 20q13.33.
Identifiers: ClinVar variation 2579288 (VCV002579288.1).

ClinVar aggregate classification (germline): Pathogenic (1 of 4 stars; one submission).

Conditions:
Neurodevelopmental disorder. Identifiers: MedGen C1535926, MeSH D065886, MONDO:0700092.

Submission:

Broad Center for Mendelian Genomics, Broad Institute of MIT and Harvard
Classification: Pathogenic for Neurodevelopmental disorder. Last evaluated: 2023-08-24. Review status: criteria provided, single submitter. Criteria: ACMG/ClinGen CNV Guidelines, 2019. Collection method: research. Allele origin: de novo. Inheritance: Autosomal dominant inheritance. Affected: yes.
Comment: A confirmed de novo heterozygous deletion of 20q13.3 encompassing 33 genes was identified by exome sequencing and confirmed by qPCR in one individual with chromosome 20q13.3 microdeletion syndrome ([GRCh38] chr20:62632017_63794804x1)(PMID: 24098143). These breakpoints have been estimated by qPCR and therefore may not reflect the true breakpoints. The patient phenotype is nonspecific, but is consistent with cases described in the literature and/or published databases with overlapping variants. There is complete overlap with the KCNQ2 gene which is known to be haploinsufficient and has been assessed by the ClinGen Dosage Sensitivity Working Group. In summary, the 20q13.3 deletion meets criteria to be classified as pathogenic. The ACMG/ClinGen evidence codes and points used in this curation are as follows: 1: 0 points, 2: 1.00 points, 3: 0.45 points, 4-5: 0.15 points; Total: 1.6 points; Riggs 2020 (PMID: 31690835)

Literature cited by the submitters: PubMed 24098143.